The following is an entry in ClinVar:

NM_017780.4(CHD7):c.5987A>C (p.Gln1996Pro)

Gene: CHD7 (chromodomain helicase DNA binding protein 7; plus strand). Cytogenetic location: 8q12.2.
Variant type: single nucleotide variant.
Coding change: c.5987A>C on transcript NM_017780.4 (MANE Select); coding-DNA position 5987, A replaced by C.
Protein change: p.Gln1996Pro; replaces glutamine 1996 with proline.
Molecular consequence: missense variant. On other transcripts: intron variant (1).
Genome position (GRCh38, 1-based): chr8:60,852,590, A>C. VCF-style: chr8-60852590-A-C. GRCh37 (hg19) VCF-style: chr8-61765149-A-C.
Other names: c.1717-9639A>C (NM_001316690.1); short protein forms Q1996P.
Identifiers: ClinVar variation 4747904 (VCV004747904.1).

ClinVar aggregate classification (germline): Uncertain significance (1 of 4 stars; one submission).

Conditions:
CHARGE syndrome (CHARGE). Also called: Hittner Hirsch Kreh syndrome; CHARGE ASSOCIATION--COLOBOMA, HEART ANOMALY, CHOANAL ATRESIA, RETARDATION, GENITAL AND EAR ANOMALIES; Coloboma, heart anomaly, choanal atresia, retardation, genital and ear anomalies; CHARGE association; Hall-Hittner syndrome. Identifiers: Orphanet 138, MedGen C0265354, MONDO:0008965.

gnomAD v4.1: 4 of 1,613,994 alleles (0.00025%); highest among the groups gnomAD compares: Non-Finnish European, 0.00034%; no homozygotes.

Submission:

Labcorp Genetics (formerly Invitae), Labcorp
Classification: Uncertain significance for CHARGE syndrome. Last evaluated: 2025-09-07. Review status: criteria provided, single submitter. Criteria: Invitae Variant Classification Sherloc (09022015). Collection method: clinical testing. Allele origin: germline.
Comment: This sequence change replaces glutamine, which is neutral and polar, with proline, which is neutral and non-polar, at codon 1996 of the CHD7 protein (p.Gln1996Pro). This variant is not present in population databases (gnomAD no frequency). This variant has not been reported in the literature in individuals affected with CHD7-related conditions. Invitae Evidence Modeling of protein sequence and biophysical properties (such as structural, functional, and spatial information, amino acid conservation, physicochemical variation, residue mobility, and thermodynamic stability) indicates that this missense variant is not expected to disrupt CHD7 protein function with a negative predictive value of 80%. In summary, the available evidence is currently insufficient to determine the role of this variant in disease. Therefore, it has been classified as a Variant of Uncertain Significance.